The following is an entry in ClinVar:

NM_004656.4(BAP1):c.1749G>A (p.Ser583=)

Gene: BAP1 (BRCA1 associated deubiquitinase 1; minus strand). Cytogenetic location: 3p21.1.
Variant type: single nucleotide variant.
Coding change: c.1749G>A on transcript NM_004656.4 (MANE Select); coding-DNA position 1749, G replaced by A.
Protein change: p.Ser583=; no amino-acid change (serine 583 retained).
Molecular consequence: synonymous variant.
Genome position (GRCh38, 1-based): chr3:52,403,279, C>T on the plus strand (G>A on the coding strand, the complement: BAP1 is on the minus strand). VCF-style: chr3-52403279-C-T. GRCh37 (hg19) VCF-style: chr3-52437295-C-T.
Other names: c.1749G>A (LRG_529t1).
Identifiers: ClinVar variation 240051 (VCV000240051.27), dbSNP rs147775249, ClinGen allele CA2436722.

ClinVar aggregate classification (germline): Conflicting classifications of pathogenicity. Review status: criteria provided, conflicting classifications (1 of 4 stars). 8 submissions from 8 submitters: Uncertain significance (1); Benign (1); Likely benign (5). 1 of the submissions does not count toward it. Last evaluated 2026-01-27.

Conditions:
BAP1-related disorder. Also called: BAP1-related condition.
Hereditary cancer-predisposing syndrome. Also called: Neoplastic Syndromes, Hereditary; Hereditary neoplastic syndrome; Tumor predisposition; Hereditary Cancer Syndrome. Identifiers: Orphanet 140162, MedGen C0027672, MeSH D009386, MONDO:0015356.
BAP1-related tumor predisposition syndrome (TPDS1). Also called: Tumor susceptibility linked to germline BAP1 mutations; BAP1 tumor predisposition syndrome; COMMON Syndrome; TUMOR PREDISPOSITION SYNDROME 1. Identifiers: Orphanet 289539, MedGen C3280492, MONDO:0013692, OMIM 614327.

Allele frequency attached by ClinVar (database versions not stated): ExAC 0.00002; gnomAD exomes 0.00002; gnomAD 0.00006 and 0.00007; TOPMed 0.00006; ESP Exome Variant Server 0.00008.
gnomAD v4.1: 37 of 1,613,784 alleles (0.0023%); highest among the groups gnomAD compares: African/African-American, 0.013%; no homozygotes.

Submissions (8):

Labcorp Genetics (formerly Invitae), Labcorp
Classification: Likely benign for BAP1-related tumor predisposition syndrome. Last evaluated: 2026-01-27. Review status: criteria provided, single submitter. Criteria: Invitae Variant Classification Sherloc (09022015). Collection method: clinical testing. Allele origin: germline.

Center for Genomic Medicine, Rigshospitalet, Copenhagen University Hospital
Classification: Likely benign. Last evaluated: 2025-03-04. Review status: criteria provided, single submitter. Criteria: ACMG Guidelines, 2015. Collection method: clinical testing. Allele origin: germline.

Quest Diagnostics Nichols Institute San Juan Capistrano
Classification: Likely benign. Last evaluated: 2025-01-08. Review status: criteria provided, single submitter. Criteria: Quest Diagnostics criteria. Collection method: clinical testing. Allele origin: unknown.

Myriad Genetics, Inc.
Classification: Benign for BAP1-related tumor predisposition syndrome. Last evaluated: 2024-07-17. Review status: criteria provided, single submitter. Criteria: Myriad Autosomal Dominant, Autosomal Recessive and X-Linked Classification Criteria (2023). Collection method: clinical testing. Allele origin: unknown.
Comment: This variant is considered benign. This variant is a silent/synonymous amino acid change and it is not expected to impact splicing.

Ambry Genetics
Classification: Likely benign for Hereditary cancer-predisposing syndrome. Last evaluated: 2019-10-15. Review status: criteria provided, single submitter. Criteria: Ambry Variant Classification Scheme 2023. Collection method: clinical testing. Allele origin: germline.

Illumina Laboratory Services, Illumina
Classification: Uncertain significance for BAP1-related tumor predisposition syndrome. Last evaluated: 2017-04-27. Review status: criteria provided, single submitter. Criteria: ICSL Variant Classification Criteria 13 December 2019. Collection method: clinical testing. Allele origin: germline.

Color Diagnostics, LLC DBA Color Health
Classification: Likely benign for Hereditary cancer-predisposing syndrome. Last evaluated: 2016-10-03. Review status: criteria provided, single submitter. Criteria: ACMG Guidelines, 2015. Collection method: clinical testing. Allele origin: germline.

PreventionGenetics, part of Exact Sciences
Classification: Likely benign for BAP1-related condition. Last evaluated: 2023-04-11. Review status: no assertion criteria provided. Collection method: clinical testing. Allele origin: germline. Not counted in ClinVar's aggregate classification.
Comment: This variant is classified as likely benign based on ACMG/AMP sequence variant interpretation guidelines (Richards et al. 2015 PMID: 25741868, with internal and published modifications).